The following is an entry in ClinVar:

ClinVar aggregate classification (germline): Uncertain significance. Review status: criteria provided, multiple submitters, no conflicts (2 of 4 stars). 2 submissions from 2 submitters: Uncertain significance (2). Last evaluated 2024-06-01.

Conditions:
Inborn genetic diseases. Identifiers: MedGen C0950123, MeSH D030342.

Allele frequency attached by ClinVar (database versions not stated): TOPMed below 0.00001.

Submissions (2):

Labcorp Genetics (formerly Invitae), Labcorp
Classification: Uncertain significance. Last evaluated: 2024-06-01. Review status: criteria provided, single submitter. Criteria: Invitae Variant Classification Sherloc (09022015). Collection method: clinical testing. Allele origin: germline.
Comment: This sequence change replaces glutamic acid, which is acidic and polar, with glycine, which is neutral and non-polar, at codon 976 of the AP3D1 protein (p.Glu976Gly). This variant is not present in population databases (gnomAD no frequency). This variant has not been reported in the literature in individuals affected with AP3D1-related conditions. Algorithms developed to predict the effect of missense changes on protein structure and function output the following: SIFT: "Not Available"; PolyPhen-2: "Benign"; Align-GVGD: "Not Available". The glycine amino acid residue is found in multiple mammalian species, which suggests that this missense change does not adversely affect protein function. In summary, the available evidence is currently insufficient to determine the role of this variant in disease. Therefore, it has been classified as a Variant of Uncertain Significance.

Ambry Genetics
Classification: Uncertain significance for Inborn genetic diseases. Last evaluated: 2024-05-30. Review status: criteria provided, single submitter. Criteria: Ambry Variant Classification Scheme 2023. Collection method: clinical testing. Allele origin: germline.

NM_001261826.3(AP3D1):c.2927A>G (p.Glu976Gly)

Gene: AP3D1 (adaptor related protein complex 3 subunit delta 1; minus strand). Cytogenetic location: 19p13.3.
Variant type: single nucleotide variant.
Coding change: c.2927A>G on transcript NM_001261826.3 (MANE Select); coding-DNA position 2927, A replaced by G.
Protein change: p.Glu976Gly; replaces glutamic acid 976 with glycine.
Molecular consequence: missense variant.
Genome position (GRCh38, 1-based): chr19:2,111,689, T>C on the plus strand (A>G on the coding strand, the complement: AP3D1 is on the minus strand). VCF-style: chr19-2111689-T-C. GRCh37 (hg19) VCF-style: chr19-2111688-T-C.
Other names: c.2891A>G, p.Glu964Gly (NM_001374799.1); c.2741A>G, p.Glu914Gly (NM_003938.8); c.2741A>G (NM_003938.5); short protein forms E964G, E976G, E914G.
Identifiers: ClinVar variation 2807910 (VCV002807910.4), dbSNP rs2018282467, ClinGen allele CA403203808.